The following is an entry in ClinVar:

ClinVar aggregate classification (germline): Pathogenic (1 of 4 stars; one submission).

Conditions:
Retinoblastoma (RB1). Also called: RETINOBLASTOMA, SOMATIC. Identifiers: Orphanet 790, MedGen C0035335, MeSH D012175, MONDO:0008380, OMIM 180200, HP:0009919. Disease mechanism: loss of function. Inheritance: Both sporadic and heritable forms are tested..

Submission:

Genetic Diagnostic Laboratory, University of Pennsylvania School of Medicine
Classification: Pathogenic for Retinoblastoma. Last evaluated: 2024-05-20. Review status: criteria provided, single submitter. Criteria: ACMG Guidelines, 2015. Collection method: clinical testing. Allele origin: germline. Affected: yes. Observed: 1 variant allele.
Comment: Case and Pedigree Information: BILATERAL CASES:1, UNILATERAL CASES:0, TOTAL CASES:1, PEDIGREES:1. ACMG Codes Applied:PVS1, PM2

NM_000321.3(RB1):c.1680_1681insT (p.Leu561fs)

Gene: RB1 (RB transcriptional corepressor 1; plus strand). Cytogenetic location: 13q14.2.
Variant type: Insertion.
Coding change: c.1680_1681insT on transcript NM_000321.3 (MANE Select); coding-DNA positions 1680 to 1681, T inserted.
Protein change: p.Leu561fs; shifts the reading frame from leucine 561.
Molecular consequence: frameshift variant.
Genome position: GRCh38 VCF-style: chr13-48381428-C-CT. GRCh37 (hg19) VCF-style: chr13-48955564-C-CT.
Other names: c.1680_1681insT, p.Leu561fs (NM_001407165.1, NM_001407166.1); short protein forms L561fs.
Identifiers: ClinVar variation 3237016 (VCV003237016.1), dbSNP rs2542207110.